The following is an entry in ClinVar:

ClinVar aggregate classification (germline): Likely benign (1 of 4 stars; one submission).

Conditions:
Pheochromocytoma/paraganglioma syndrome 4. Also called: CAROTID BODY TUMORS AND MULTIPLE EXTRAADRENAL PHEOCHROMOCYTOMAS; PARAGANGLIOMA, FAMILIAL MALIGNANT; PARAGANGLIOMAS, HEREDITARY EXTRAADRENAL; PHEOCHROMOCYTOMA, FAMILIAL EXTRAADRENAL; Paragangliomas 4; SDHB-Related Hereditary Paraganglioma-Pheochromocytoma Syndrome (Paragangliomas 4). Identifiers: Orphanet 29072, MedGen C1861848, MONDO:0007273, OMIM 115310.

Submission:

Myriad Genetics, Inc.
Classification: Likely benign for Pheochromocytoma/paraganglioma syndrome 4. Last evaluated: 2025-03-12. Review status: criteria provided, single submitter. Criteria: Myriad Autosomal Dominant, Autosomal Recessive and X-Linked Classification Criteria (2023). Collection method: clinical testing. Allele origin: unknown.
Comment: This variant is considered likely benign. This variant is intronic and is not expected to impact mRNA splicing.

NM_003000.3(SDHB):c.201-29_201-14delinsTTGTTTGTAAC

Gene: SDHB (succinate dehydrogenase complex iron sulfur subunit B; minus strand). Cytogenetic location: 1p36.13.
Variant type: Indel.
Coding change: c.201-29_201-14delinsTTGTTTGTAAC on transcript NM_003000.3 (MANE Select); 29 bases into the intron before coding-DNA position 201 through 14 bases into the intron before coding-DNA position 201, AAATACCACTGGATAT replaced by TTGTTTGTAAC.
Molecular consequence: intron variant.
Genome position (GRCh38, 1-based): chr1:17,033,159-17,033,174, ATATCCAGTGGTATTT replaced by GTTACAAACAA on the plus strand (AAATACCACTGGATAT replaced by TTGTTTGTAAC on the coding strand, the reverse complement: SDHB is on the minus strand). VCF-style: chr1-17033159-ATATCCAGTGGTATTT-GTTACAAACAA. GRCh37 (hg19) VCF-style: chr1-17359654-ATATCCAGTGGTATTT-GTTACAAACAA.
Other names: c.201-29_201-14delinsTTGTTTGTAAC (NM_001407361.1).
Identifiers: ClinVar variation 3904615 (VCV003904615.1).